The following is an entry in ClinVar:

NM_006096.4(NDRG1):c.980_981delinsTT (p.Arg327Leu)

Gene: NDRG1 (N-myc downstream regulated 1; minus strand). Cytogenetic location: 8q24.22.
Variant type: Indel.
Coding change: c.980_981delinsTT on transcript NM_006096.4 (MANE Select); coding-DNA positions 980 to 981, GC replaced by TT.
Protein change: p.Arg327Leu; replaces arginine 327 with leucine.
Molecular consequence: missense variant.
Genome position (GRCh38, 1-based): chr8:133,239,082-133,239,083, GC replaced by AA on the plus strand (GC replaced by TT on the coding strand, the reverse complement: NDRG1 is on the minus strand). VCF-style: chr8-133239082-GC-AA. GRCh37 (hg19) VCF-style: chr8-134251325-GC-AA.
Other names: c.980_981delinsTT, p.Arg327Leu (NM_001135242.2, NM_001374845.1, NM_001374846.1); c.782_783delinsTT, p.Arg261Leu (NM_001258432.2, NM_001374847.1); c.737_738delinsTT, p.Arg246Leu (NM_001258433.2); c.1031_1032delinsTT, p.Arg344Leu (NM_001374844.1); short protein forms R344L, R246L, R261L, R327L.
Identifiers: ClinVar variation 2176062 (VCV002176062.1), dbSNP rs2537996233, ClinGen allele CA2580078598.
Genomic context (GRCh38, chr8:133,239,082, plus strand): 5'-GCTGGTGTGGGAGCGGCTGCGGGTGCCATCCAGAGAAGTGACGCTGGAACCAGAGGCTGT[GC>AA]GGGACCGCATCAGGCGGGTCATGCTAGCCGAGGGCACTAGGGGAACAAGAGACAGCCGGT-3'
Protein context (NP_006087.2, residues 317-337): SASMTRLMRS[Arg327Leu]TASGSSVTSL

ClinVar aggregate classification (germline): Uncertain significance (1 of 4 stars; one submission).

Conditions:
Charcot-Marie-Tooth disease type 4. Also called: Charcot-Marie-Tooth disease, type IV; Charcot-Marie-Tooth, Type 4. Identifiers: Orphanet 64749, MedGen C4082197, MONDO:0018995.

Submission:

Labcorp Genetics (formerly Invitae), Labcorp
Classification: Uncertain significance for Charcot-Marie-Tooth disease type 4. Last evaluated: 2021-12-19. Review status: criteria provided, single submitter. Criteria: Invitae Variant Classification Sherloc (09022015). Collection method: clinical testing. Allele origin: germline.
Comment: This sequence change replaces arginine, which is basic and polar, with leucine, which is neutral and non-polar, at codon 327 of the NDRG1 protein (p.Arg327Leu). Information on the frequency of this variant in the gnomAD database is not available, as this variant may be reported differently in the database. This variant has not been reported in the literature in individuals affected with NDRG1-related conditions. Algorithms developed to predict the effect of missense changes on protein structure and function are either unavailable or do not agree on the potential impact of this missense change (SIFT: "Not Available"; PolyPhen-2: "Possibly Damaging"; Align-GVGD: "Not Available"). In summary, the available evidence is currently insufficient to determine the role of this variant in disease. Therefore, it has been classified as a Variant of Uncertain Significance.